The following is an entry in ClinVar:

ClinVar aggregate classification (germline): Uncertain significance (1 of 4 stars; one submission).

Conditions:
Perlman syndrome (PRLMNS). Identifiers: Orphanet 2849, MedGen C0796113, MONDO:0009965, OMIM 267000.

Allele frequency attached by ClinVar (database versions not stated): gnomAD exomes below 0.00001.
gnomAD v4.1: 1 of 1,449,278 alleles (0.000069%); highest among the groups gnomAD compares: Non-Finnish European, 0.000092%; no homozygotes.

Submission:

Labcorp Genetics (formerly Invitae), Labcorp
Classification: Uncertain significance for Perlman syndrome. Last evaluated: 2024-04-22. Review status: criteria provided, single submitter. Criteria: Invitae Variant Classification Sherloc (09022015). Collection method: clinical testing. Allele origin: germline.
Comment: This sequence change replaces methionine, which is neutral and non-polar, with valine, which is neutral and non-polar, at codon 591 of the DIS3L2 protein (p.Met591Val). This variant is present in population databases (no rsID available, gnomAD 0.001%). This variant has not been reported in the literature in individuals affected with DIS3L2-related conditions. ClinVar contains an entry for this variant (Variation ID: 1387876). Advanced modeling of protein sequence and biophysical properties (such as structural, functional, and spatial information, amino acid conservation, physicochemical variation, residue mobility, and thermodynamic stability) performed at Invitae indicates that this missense variant is not expected to disrupt DIS3L2 protein function with a negative predictive value of 80%. In summary, the available evidence is currently insufficient to determine the role of this variant in disease. Therefore, it has been classified as a Variant of Uncertain Significance.

NM_152383.5(DIS3L2):c.1771A>G (p.Met591Val)

Gene: DIS3L2 (DIS3 like 3'-5' exoribonuclease 2; plus strand). Cytogenetic location: 2q37.1.
Variant type: single nucleotide variant.
Coding change: c.1771A>G on transcript NM_152383.5 (MANE Select); coding-DNA position 1771, A replaced by G.
Protein change: p.Met591Val; replaces methionine 591 with valine.
Molecular consequence: missense variant. On other transcripts: intron variant (1).
Genome position (GRCh38, 1-based): chr2:232,329,844, A>G. VCF-style: chr2-232329844-A-G. GRCh37 (hg19) VCF-style: chr2-233194554-A-G.
Other names: c.1582-13501A>G (NM_001257281.2); short protein forms M591V.
Identifiers: ClinVar variation 1387876 (VCV001387876.8), dbSNP rs1345705256, ClinGen allele CA350975986.